The following is an entry in ClinVar:

NM_002206.3(ITGA7):c.824G>A (p.Arg275His)

Gene: ITGA7 (integrin subunit alpha 7; minus strand). Cytogenetic location: 12q13.2.
Variant type: single nucleotide variant.
Coding change: c.824G>A on transcript NM_002206.3 (MANE Select); coding-DNA position 824, G replaced by A.
Protein change: p.Arg275His; replaces arginine 275 with histidine.
Molecular consequence: missense variant. On other transcripts: 5 prime UTR variant (1).
Genome position (GRCh38, 1-based): chr12:55,698,884, C>T on the plus strand (G>A on the coding strand, the complement: ITGA7 is on the minus strand). VCF-style: chr12-55698884-C-T. GRCh37 (hg19) VCF-style: chr12-56092668-C-T.
Other names: c.836G>A, p.Arg279His (NM_001144996.2, NM_001414029.1, NM_001414030.1); c.545G>A, p.Arg182His (NM_001144997.2); c.497G>A, p.Arg166His (NM_001367993.1); c.-469G>A (NM_001367994.1); c.824G>A, p.Arg275His (NM_001374465.1, NM_001414031.1, NM_001414034.1); c.956G>A, p.Arg319His (NM_001410977.1); c.704G>A, p.Arg235His (NM_001414032.1); c.641G>A, p.Arg214His (NM_001414033.1); and 1 more; short protein forms R275H, R182H, R166H, R279H, R319H, R235H, R162H, R214H.
Identifiers: ClinVar variation 94047 (VCV000094047.20), dbSNP rs74867235, ClinGen allele CA147569.

ClinVar aggregate classification (germline): Benign. Review status: criteria provided, multiple submitters, no conflicts (2 of 4 stars). 7 submissions from 7 submitters: Benign (6). 1 of the submissions does not count toward it. Last evaluated 2026-02-01.

Conditions:
Congenital muscular dystrophy due to integrin alpha-7 deficiency. Also called: Congenital muscular dystrophy with integrin alpha-7 deficiency; Muscular dystrophy, congenital, due to ITGA7 deficiency; MYOPATHY, CONGENITAL, DUE TO INTEGRIN ALPHA-7 DEFICIENCY. Identifiers: Orphanet 34520, MedGen C2750786, MONDO:0013177, OMIM 613204.

Allele frequency attached by ClinVar (database versions not stated): 1000 Genomes Project 0.01558; gnomAD 0.03438; ESP Exome Variant Server 0.03852; TOPMed 0.03435; 1000 Genomes Project 30x 0.01530.
gnomAD v4.1: 78,734 of 1,613,422 alleles (4.9%); highest among the groups gnomAD compares: Non-Finnish European, 5.9%; 2,301 homozygotes.

Submissions (7):

Labcorp Genetics (formerly Invitae), Labcorp
Classification: Benign for Congenital muscular dystrophy due to integrin alpha-7 deficiency. Last evaluated: 2026-02-01. Review status: criteria provided, single submitter. Criteria: Invitae Variant Classification Sherloc (09022015). Collection method: clinical testing. Allele origin: germline.

Mayo Clinic Laboratories, Mayo Clinic
Classification: Benign. Last evaluated: 2018-03-08. Review status: criteria provided, single submitter. Criteria: ACMG Guidelines, 2015. Collection method: clinical testing. Allele origin: germline. Observed: 48 variant alleles.

GeneDx
Classification: Benign. Last evaluated: 2016-02-10. Review status: criteria provided, single submitter. Criteria: GeneDx Variant Classification (06012015). Collection method: clinical testing. Allele origin: germline. Affected: yes.
Comment: This variant is considered likely benign or benign based on one or more of the following criteria: it is a conservative change, it occurs at a poorly conserved position in the protein, it is predicted to be benign by multiple in silico algorithms, and/or has population frequency not consistent with disease.

Eurofins Ntd Llc (ga)
Classification: Benign. Last evaluated: 2013-03-15. Review status: criteria provided, single submitter. Criteria: EGL Classification Definitions 2015. Collection method: clinical testing. Allele origin: germline. Observed: 2 variant alleles, 2 heterozygotes.

Breakthrough Genomics
Classification: Benign. Review status: criteria provided, single submitter. Criteria: ACMG Guidelines, 2015. Collection method: not provided. Allele origin: germline. Inheritance: Autosomal recessive inheritance. Affected: yes.

PreventionGenetics, part of Exact Sciences
Classification: Benign. Review status: criteria provided, single submitter. Criteria: ACMG Guidelines, 2015. Collection method: clinical testing. Allele origin: germline.

Genetic Services Laboratory, University of Chicago
Classification: Likely benign for AllHighlyPenetrant. Review status: no assertion criteria provided. Collection method: clinical testing. Allele origin: germline. Inheritance: Autosomal recessive inheritance. Not counted in ClinVar's aggregate classification.
Comment: Likely benign based on allele frequency in 1000 Genomes Project or ESP global frequency and its presence in a patient with a rare or unrelated disease phenotype. NOT Sanger confirmed.